The following is an entry in ClinVar:

NM_000038.6(APC):c.5541G>A (p.Thr1847=)

Gene: APC (APC regulator of Wnt signaling pathway; plus strand). Cytogenetic location: 5q22.2.
Variant type: single nucleotide variant.
Coding change: c.5541G>A on transcript NM_000038.6 (MANE Select); coding-DNA position 5541, G replaced by A.
Protein change: p.Thr1847=; no amino-acid change (threonine 1847 retained).
Molecular consequence: synonymous variant.
Genome position (GRCh38, 1-based): chr5:112,841,135, G>A. VCF-style: chr5-112841135-G-A. GRCh37 (hg19) VCF-style: chr5-112176832-G-A.
Other names: c.5541G>A, p.Thr1847= (NM_001127510.3, NM_001354895.2); c.5487G>A, p.Thr1829= (NM_001127511.3); c.5595G>A, p.Thr1865= (NM_001354896.2); c.5571G>A, p.Thr1857= (NM_001354897.2); c.5466G>A, p.Thr1822= (NM_001354898.2); c.5457G>A, p.Thr1819= (NM_001354899.2); c.5418G>A, p.Thr1806= (NM_001354900.2); c.5364G>A, p.Thr1788= (NM_001354901.2); and 5 more.
Identifiers: ClinVar variation 416716 (VCV000416716.19), dbSNP rs777449060, ClinGen allele CA042286.

ClinVar aggregate classification (germline): Benign/Likely benign. Review status: criteria provided, multiple submitters, no conflicts (2 of 4 stars). 9 submissions from 9 submitters: Benign (1); Likely benign (8). Last evaluated 2026-01-11.

Conditions:
Classic or attenuated familial adenomatous polyposis. Identifiers: MedGen CN372698, MONDO:0021057.
Hereditary cancer-predisposing syndrome. Also called: Tumor predisposition; Hereditary Cancer Syndrome; Hereditary neoplastic syndrome; Neoplastic Syndromes, Hereditary. Identifiers: Orphanet 140162, MedGen C0027672, MeSH D009386, MONDO:0015356.
Familial adenomatous polyposis 1 (FAP1). Also called: FAMILIAL ADENOMATOUS POLYPOSIS 1, ATTENUATED; POLYPOSIS, ADENOMATOUS INTESTINAL. Identifiers: MedGen C2713442, MONDO:0021056, OMIM 175100. Disease mechanism: loss of function.

Allele frequency attached by ClinVar (database versions not stated): ExAC 0.00001; gnomAD 0.00001; gnomAD exomes 0.00001 and 0.00002.
gnomAD v4.1: 21 of 1,612,300 alleles (0.0013%); highest among the groups gnomAD compares: East Asian, 0.0045%; no homozygotes.

Submissions (9):

Labcorp Genetics (formerly Invitae), Labcorp
Classification: Likely benign for Familial adenomatous polyposis 1. Last evaluated: 2026-01-11. Review status: criteria provided, single submitter. Criteria: Invitae Variant Classification Sherloc (09022015). Collection method: clinical testing. Allele origin: germline.

Quest Diagnostics Nichols Institute San Juan Capistrano
Classification: Likely benign. Last evaluated: 2025-10-08. Review status: criteria provided, single submitter. Criteria: Quest Diagnostics criteria. Collection method: clinical testing. Allele origin: unknown.

Blueprint Genetics
Classification: Likely benign. Last evaluated: 2024-08-16. Review status: criteria provided, single submitter. Criteria: ACMG Guidelines, 2015. Collection method: clinical testing. Allele origin: germline.

Myriad Genetics, Inc.
Classification: Benign for Familial adenomatous polyposis 1. Last evaluated: 2024-04-02. Review status: criteria provided, single submitter. Criteria: Myriad Autosomal Dominant, Autosomal Recessive and X-Linked Classification Criteria (2023). Collection method: clinical testing. Allele origin: unknown.
Comment: This variant is considered benign. This variant is a silent/synonymous amino acid change and it is not expected to impact splicing.

All of Us Research Program, National Institutes of Health
Classification: Likely benign for Classic or attenuated familial adenomatous polyposis. Last evaluated: 2023-12-14. Review status: criteria provided, single submitter. Criteria: ACMG Guidelines, 2015. Collection method: clinical testing. Allele origin: germline. Inheritance: Autosomal dominant inheritance. Observed: 3 variant alleles, 3 heterozygotes.
Comment: This study involves interpretation of variants in research participants for the purpose of population health screening. Participant phenotype was not available at the time of variant classification. Additional details can be found in publication PMID: 35346344, PMCID: PMC8962531

KCCC/NGS Laboratory, Kuwait Cancer Control Center
Classification: Likely benign for Familial adenomatous polyposis 1. Last evaluated: 2023-07-07. Review status: criteria provided, single submitter. Criteria: ACMG Guidelines, 2015. Collection method: clinical testing. Allele origin: germline. Affected: yes.

ARUP Laboratories, Molecular Genetics and Genomics, ARUP Laboratories
Classification: Likely benign. Last evaluated: 2023-01-24. Review status: criteria provided, single submitter. Criteria: ARUP Molecular Germline Variant Investigation Process 2024. Collection method: clinical testing. Allele origin: germline.

Ambry Genetics
Classification: Likely benign for Hereditary cancer-predisposing syndrome. Last evaluated: 2018-12-20. Review status: criteria provided, single submitter. Criteria: Ambry Variant Classification Scheme 2023. Collection method: clinical testing. Allele origin: germline.

Color Diagnostics, LLC DBA Color Health
Classification: Likely benign for Hereditary cancer-predisposing syndrome. Last evaluated: 2018-10-24. Review status: criteria provided, single submitter. Criteria: ACMG Guidelines, 2015. Collection method: clinical testing. Allele origin: germline.